The following is an entry in ClinVar:

NM_004360.5(CDH1):c.327G>A (p.Lys109=)

Gene: CDH1 (cadherin 1; plus strand). Cytogenetic location: 16q22.1.
Variant type: single nucleotide variant.
Coding change: c.327G>A on transcript NM_004360.5 (MANE Select); coding-DNA position 327, G replaced by A.
Protein change: p.Lys109=; no amino-acid change (lysine 109 retained).
Molecular consequence: synonymous variant. On other transcripts: 5 prime UTR variant (2).
Genome position (GRCh38, 1-based): chr16:68,801,833, G>A. VCF-style: chr16-68801833-G-A. GRCh37 (hg19) VCF-style: chr16-68835736-G-A.
Other names: c.327G>A (LRG_301t1); c.327G>A, p.Lys109= (NM_001317184.2); c.-1289G>A (NM_001317185.2); c.-1493G>A (NM_001317186.2).
Identifiers: ClinVar variation 388075 (VCV000388075.12), dbSNP rs1057522987, ClinGen allele CA16607439.

ClinVar aggregate classification (germline): Benign/Likely benign. Review status: criteria provided, multiple submitters, no conflicts (2 of 4 stars). 4 submissions from 4 submitters: Benign (1); Likely benign (3). Last evaluated 2026-05-19.

Conditions:
Hereditary cancer-predisposing syndrome. Also called: Hereditary Cancer Syndrome; Tumor predisposition; Hereditary neoplastic syndrome; Neoplastic Syndromes, Hereditary. Identifiers: Orphanet 140162, MedGen C0027672, MeSH D009386, MONDO:0015356.
Hereditary diffuse gastric adenocarcinoma (HDGC). Also called: DIFFUSE GASTRIC AND LOBULAR BREAST CANCER SYNDROME. Identifiers: Orphanet 26106, MedGen C1708349, MONDO:0007648, OMIM 137215.

Submissions (4):

Ambry Genetics
Classification: Likely benign for Hereditary cancer-predisposing syndrome. Last evaluated: 2026-05-19. Review status: criteria provided, single submitter. Criteria: Ambry Variant Classification Scheme 2023. Collection method: clinical testing. Allele origin: germline.

Labcorp Genetics (formerly Invitae), Labcorp
Classification: Likely benign for Hereditary diffuse gastric adenocarcinoma. Last evaluated: 2024-12-02. Review status: criteria provided, single submitter. Criteria: Invitae Variant Classification Sherloc (09022015). Collection method: clinical testing. Allele origin: germline.

Myriad Genetics, Inc.
Classification: Benign for Hereditary diffuse gastric adenocarcinoma. Last evaluated: 2024-09-12. Review status: criteria provided, single submitter. Criteria: Myriad Autosomal Dominant, Autosomal Recessive and X-Linked Classification Criteria (2023). Collection method: clinical testing. Allele origin: unknown.
Comment: This variant is considered benign. This variant is a silent/synonymous amino acid change and it is not expected to impact splicing.

GeneDx
Classification: Likely benign. Last evaluated: 2016-07-22. Review status: criteria provided, single submitter. Criteria: GeneDx Variant Classification (06012015). Collection method: clinical testing. Allele origin: germline. Affected: yes.
Comment: This variant is considered likely benign or benign based on one or more of the following criteria: it is a conservative change, it occurs at a poorly conserved position in the protein, it is predicted to be benign by multiple in silico algorithms, and/or has population frequency not consistent with disease.